The following is an entry in ClinVar:

ClinVar aggregate classification (germline): Likely benign. Review status: criteria provided, multiple submitters, no conflicts (2 of 4 stars). 3 submissions from 3 submitters: Likely benign (3). Last evaluated 2026-01-02.

Conditions:
KIF2A-related disorder. Also called: KIF2A-related condition.

Allele frequency attached by ClinVar (database versions not stated): gnomAD 0.00003; TOPMed 0.00003; ESP Exome Variant Server 0.00008.
gnomAD v4.1: 63 of 1,611,184 alleles (0.0039%); highest among the groups gnomAD compares: Non-Finnish European, 0.0041%; no homozygotes.

Submissions (3):

Labcorp Genetics (formerly Invitae), Labcorp
Classification: Likely benign. Last evaluated: 2026-01-02. Review status: criteria provided, single submitter. Criteria: Invitae Variant Classification Sherloc (09022015). Collection method: clinical testing. Allele origin: germline.

PreventionGenetics, part of Exact Sciences
Classification: Likely benign for KIF2A-related condition. Last evaluated: 2025-12-11. Review status: criteria provided, single submitter. Criteria: ACMG Guidelines, 2015. Collection method: clinical testing. Allele origin: germline.
Comment: This variant is classified as likely benign based on ACMG/AMP sequence variant interpretation guidelines (Richards et al. 2015 PMID: 25741868, with internal and published modifications).

GeneDx
Classification: Likely benign. Last evaluated: 2016-03-09. Review status: criteria provided, single submitter. Criteria: GeneDx Variant Classification (06012015). Collection method: clinical testing. Allele origin: germline. Affected: yes.
Comment: This variant is considered likely benign or benign based on one or more of the following criteria: it is a conservative change, it occurs at a poorly conserved position in the protein, it is predicted to be benign by multiple in silico algorithms, and/or has population frequency not consistent with disease.

NM_001098511.3(KIF2A):c.1263-7A>T

Gene: KIF2A (kinesin family member 2A; plus strand). Cytogenetic location: 5q12.1.
Variant type: single nucleotide variant.
Coding change: c.1263-7A>T on transcript NM_001098511.3 (MANE Select); 7 bases into the intron before coding-DNA position 1263, A replaced by T.
Molecular consequence: intron variant.
Genome position (GRCh38, 1-based): chr5:62,363,688, A>T. VCF-style: chr5-62363688-A-T. GRCh37 (hg19) VCF-style: chr5-61659515-A-T.
Other names: c.1182-7A>T (NM_001243952.2); c.1263-7A>T (NM_004520.5); c.1206-7A>T (NM_001243953.2).
Identifiers: ClinVar variation 384387 (VCV000384387.6), dbSNP rs200131851, ClinGen allele CA3278962.